The following is an entry in ClinVar:

ClinVar aggregate classification (germline): Uncertain significance (1 of 4 stars; one submission).

Submission:

Labcorp Genetics (formerly Invitae), Labcorp
Classification: Uncertain significance. Last evaluated: 2023-07-31. Review status: criteria provided, single submitter. Criteria: Invitae Variant Classification Sherloc (09022015). Collection method: clinical testing. Allele origin: germline.
Comment: In summary, the available evidence is currently insufficient to determine the role of this variant in disease. Therefore, it has been classified as a Variant of Uncertain Significance. Advanced modeling of protein sequence and biophysical properties (such as structural, functional, and spatial information, amino acid conservation, physicochemical variation, residue mobility, and thermodynamic stability) performed at Invitae indicates that this missense variant is not expected to disrupt SETBP1 protein function. This variant has not been reported in the literature in individuals affected with SETBP1-related conditions. This variant is not present in population databases (gnomAD no frequency). This sequence change replaces threonine, which is neutral and polar, with alanine, which is neutral and non-polar, at codon 365 of the SETBP1 protein (p.Thr365Ala).

NM_015559.3(SETBP1):c.1093A>G (p.Thr365Ala)

Gene: SETBP1 (SET binding protein 1; plus strand). Cytogenetic location: 18q12.3.
Variant type: single nucleotide variant.
Coding change: c.1093A>G on transcript NM_015559.3 (MANE Select); coding-DNA position 1093, A replaced by G.
Protein change: p.Thr365Ala; replaces threonine 365 with alanine.
Molecular consequence: missense variant.
Genome position (GRCh38, 1-based): chr18:44,950,433, A>G. VCF-style: chr18-44950433-A-G. GRCh37 (hg19) VCF-style: chr18-42530398-A-G.
Other names: c.1093A>G, p.Thr365Ala (NM_001379142.1, NM_001410862.1, NM_001379141.1); short protein forms T365A.
Identifiers: ClinVar variation 2748613 (VCV002748613.3), dbSNP rs2511466247, ClinGen allele CA402317737.
Genomic context (GRCh38, chr18:44,950,433, plus strand): 5'-CAGACCATACCAAACCCAGACCTGGATTGGGTCAAGAATGCCCAGAAAGCATTTGACAAT[A>G]CAGAAGGGAAAAGGGAAGGTTATTCCGCAGATAGTGCCCAAGAGGCATCACCAGCCAGGC-3'
Protein context (NP_056374.2, residues 355-375): VKNAQKAFDN[Thr365Ala]EGKREGYSAD